The following is an entry in ClinVar:

NM_000352.6(ABCC8):c.4131C>A (p.Cys1377Ter)

Gene: ABCC8 (ATP binding cassette subfamily C member 8; minus strand). Cytogenetic location: 11p15.1.
Variant type: single nucleotide variant.
Coding change: c.4131C>A on transcript NM_000352.6 (MANE Select); coding-DNA position 4131, C replaced by A.
Protein change: p.Cys1377Ter; replaces cysteine 1377 with a stop codon.
Molecular consequence: nonsense. On other transcripts: non-coding transcript variant (1).
Genome position (GRCh38, 1-based): chr11:17,395,919, G>T on the plus strand (C>A on the coding strand, the complement: ABCC8 is on the minus strand). VCF-style: chr11-17395919-G-T. GRCh37 (hg19) VCF-style: chr11-17417466-G-T.
Other names: c.4134C>A, p.Cys1378Ter (NM_001287174.3); c.4197C>A, p.Cys1399Ter (NM_001351295.2); c.4131C>A, p.Cys1377Ter (NM_001351296.2); c.4128C>A, p.Cys1376Ter (NM_001351297.2); short protein forms C1376*, C1377*, C1378*, C1399*.
Identifiers: ClinVar variation 5015838 (VCV005015838.1).

ClinVar aggregate classification (germline): Pathogenic (1 of 4 stars; one submission).

Conditions:
Hyperinsulinemic hypoglycemia, familial, 1 (HHF1). Also called: HYPERINSULINISM, FAMILIAL, WITH PANCREATIC NESIDIOBLASTOSIS; HYPOGLYCEMIA, HYPERINSULINEMIC, OF INFANCY; NESIDIOBLASTOSIS OF PANCREAS; Persistent Hyperinsulinemia Hypoglycemia of Infancy; Persistent hyperinsulinemic hypoglycemia of infancy. Identifiers: Orphanet 276575, Orphanet 276598, MedGen C2931832, MONDO:0009734, OMIM 256450.

gnomAD v4.1: 1 of 1,582,794 alleles (0.000063%); highest among the groups gnomAD compares: Non-Finnish European, 0.000086%; no homozygotes.

Submission:

Myriad Genetics, Inc.
Classification: Pathogenic for Hyperinsulinemic hypoglycemia, familial, 1. Last evaluated: 2026-04-29. Review status: criteria provided, single submitter. Criteria: Myriad Autosomal Dominant, Autosomal Recessive and X-Linked Classification Criteria (2023). Collection method: clinical testing. Allele origin: unknown.
Comment: NM_000352.3(ABCC8):c.4131C>A(C1377*) is expected to be pathogenic in the context of familial hyperinsulinism, ABCC8-related. This variant is predicted to lead to an abnormal or absent protein product due to the creation of a premature termination codon in ABCC8, a gene where loss-of-function variants are known to be pathogenic. Please note: this variant was assessed in the context of healthy population screening.